The following is an entry in ClinVar:

NM_000051.4(ATM):c.2196G>A (p.Met732Ile)

Gene: ATM (ATM serine/threonine kinase; plus strand). Cytogenetic location: 11q22.3.
Variant type: single nucleotide variant.
Coding change: c.2196G>A on transcript NM_000051.4 (MANE Select); coding-DNA position 2196, G replaced by A.
Protein change: p.Met732Ile; replaces methionine 732 with isoleucine.
Molecular consequence: missense variant.
Genome position (GRCh38, 1-based): chr11:108,256,286, G>A. VCF-style: chr11-108256286-G-A. GRCh37 (hg19) VCF-style: chr11-108127013-G-A.
Other names: c.2196G>A, p.Met732Ile (NM_001351834.2); c.2196G>A (NM_000051.3); short protein forms M732I.
Identifiers: ClinVar variation 1375435 (VCV001375435.7), dbSNP rs2135393803, ClinGen allele CA382538953.

ClinVar aggregate classification (germline): Uncertain significance. Review status: criteria provided, multiple submitters, no conflicts (2 of 4 stars). 2 submissions from 2 submitters: Uncertain significance (2). Last evaluated 2025-10-22.

Conditions:
Ataxia-telangiectasia syndrome (AT). Also called: Cerebello-oculocutaneous telangiectasia; Immunodeficiency with ataxia telangiectasia; AT, COMPLEMENTATION GROUP C; Ataxia-telangiectasia, complementation group E; LOUIS-BAR SYNDROME; ATAXIA-TELANGIECTASIA, COMPLEMENTATION GROUP A. Identifiers: Orphanet 100, MedGen C0004135, MONDO:0008840, OMIM 208900.
Hereditary cancer-predisposing syndrome. Also called: Hereditary neoplastic syndrome; Hereditary Cancer Syndrome; Neoplastic Syndromes, Hereditary; Tumor predisposition. Identifiers: Orphanet 140162, MedGen C0027672, MeSH D009386, MONDO:0015356.

Submissions (2):

Ambry Genetics
Classification: Uncertain significance for Hereditary cancer-predisposing syndrome. Last evaluated: 2025-10-22. Review status: criteria provided, single submitter. Criteria: Ambry Variant Classification Scheme 2023. Collection method: clinical testing. Allele origin: germline.
Comment: The p.M732I variant (also known as c.2196G>A), located in coding exon 13 of the ATM gene, results from a G to A substitution at nucleotide position 2196. The methionine at codon 732 is replaced by isoleucine, an amino acid with highly similar properties. This amino acid position is not well conserved in available vertebrate species. In addition, this alteration is predicted to be tolerated by in silico analysis. Based on the available evidence, the clinical significance of this variant remains unclear.

Labcorp Genetics (formerly Invitae), Labcorp
Classification: Uncertain significance for Ataxia-telangiectasia syndrome. Last evaluated: 2021-08-16. Review status: criteria provided, single submitter. Criteria: Invitae Variant Classification Sherloc (09022015). Collection method: clinical testing. Allele origin: germline.
Comment: In summary, the available evidence is currently insufficient to determine the role of this variant in disease. Therefore, it has been classified as a Variant of Uncertain Significance. Algorithms developed to predict the effect of sequence changes on RNA splicing suggest that this variant may create or strengthen a splice site. Advanced modeling of protein sequence and biophysical properties (such as structural, functional, and spatial information, amino acid conservation, physicochemical variation, residue mobility, and thermodynamic stability) performed at Invitae indicates that this missense variant is not expected to disrupt ATM protein function. This variant has not been reported in the literature in individuals affected with ATM-related conditions. This variant is not present in population databases (ExAC no frequency). This sequence change replaces methionine with isoleucine at codon 732 of the ATM protein (p.Met732Ile). The methionine residue is weakly conserved and there is a small physicochemical difference between methionine and isoleucine.